The following is an entry in ClinVar:

NM_022788.5(P2RY12):c.13G>A (p.Asp5Asn)

Genes: MED12L (mediator complex subunit 12L; plus strand), P2RY12 (purinergic receptor P2Y12; minus strand). Cytogenetic location: 3q25.1.
Variant type: single nucleotide variant.
Coding change: c.13G>A on transcript NM_022788.5 (MANE Select); coding-DNA position 13, G replaced by A.
Protein change: p.Asp5Asn; replaces aspartic acid 5 with asparagine.
Molecular consequence: missense variant. On other transcripts: intron variant (2).
Genome position (GRCh38, 1-based): chr3:151,338,833, C>T on the plus strand (G>A on the coding strand, the complement: P2RY12 is on the minus strand). VCF-style: chr3-151338833-C-T. GRCh37 (hg19) VCF-style: chr3-151056621-C-T.
Other names: c.13G>A, p.Asp5Asn (NM_176876.3); c.2251-11226C>T (NM_001393769.1); c.2146-11226C>T (NM_053002.6); short protein forms D5N.
Identifiers: ClinVar variation 2886012 (VCV002886012.3), dbSNP rs199959126, ClinGen allele CA85726276.

ClinVar aggregate classification (germline): Uncertain significance (1 of 4 stars; one submission).

Allele frequency attached by ClinVar (database versions not stated): gnomAD 0.00001; 1000 Genomes Project 0.00020; TOPMed 0.00001; 1000 Genomes Project 30x 0.00016.
gnomAD v4.1: 8 of 1,613,420 alleles (0.0005%); highest among the groups gnomAD compares: Non-Finnish European, 0.00059%; no homozygotes.

Submission:

Labcorp Genetics (formerly Invitae), Labcorp
Classification: Uncertain significance. Last evaluated: 2025-08-11. Review status: criteria provided, single submitter. Criteria: Invitae Variant Classification Sherloc (09022015). Collection method: clinical testing. Allele origin: germline.
Comment: This sequence change replaces aspartic acid, which is acidic and polar, with asparagine, which is neutral and polar, at codon 5 of the P2RY12 protein (p.Asp5Asn). This variant is not present in population databases (gnomAD no frequency). This variant has not been reported in the literature in individuals affected with P2RY12-related conditions. ClinVar contains an entry for this variant (Variation ID: 2886012). An algorithm developed to predict the effect of missense changes on protein structure and function outputs the following: PolyPhen-2: "Benign". The asparagine amino acid residue is found in multiple mammalian species, which suggests that this missense change does not adversely affect protein function. In summary, the available evidence is currently insufficient to determine the role of this variant in disease. Therefore, it has been classified as a Variant of Uncertain Significance.